The following is an entry in ClinVar:

NM_001372066.1(TFAP2A):c.15G>A (p.Trp5Ter)

Genes: TFAP2A (transcription factor AP-2 alpha; minus strand), TFAP2A-AS1 (TFAP2A antisense RNA 1; plus strand). Cytogenetic location: 6p24.3.
Variant type: single nucleotide variant.
Coding change: c.15G>A on transcript NM_001372066.1 (MANE Select); coding-DNA position 15, G replaced by A.
Protein change: p.Trp5Ter; replaces tryptophan 5 with a stop codon.
Molecular consequence: nonsense. On other transcripts: non-coding transcript variant (1), intron variant (1).
Genome position (GRCh38, 1-based): chr6:10,414,977, C>T on the plus strand (G>A on the coding strand, the complement: TFAP2A is on the minus strand). VCF-style: chr6-10414977-C-T. GRCh37 (hg19) VCF-style: chr6-10415210-C-T.
Other names: NM_003220.2:c.9G>A; c.33+4441G>A (NM_001042425.3); short protein forms W5*.
Identifiers: ClinVar variation 1065052 (VCV001065052.3), dbSNP rs2113228864, ClinGen allele CA362706235.
Genomic context (GRCh38, chr6:10,414,977, plus strand): 5'-TGATCGAGCCGGCGTCGCGCTTACCTCGCAGTCCTCGTACTTGATATTATCCGTCAATTT[C>T]CAAAGCATTTTCATGGATCGGCGTGAACGGATATGCCCCTCTCGGTCTCGCACCCAAGTG-3'

ClinVar aggregate classification (germline): Likely pathogenic (1 of 4 stars; one submission).

Conditions:
Melnick-Fraser syndrome (BOR). Also called: Branchiootorenal Syndrome (BORS); Branchio-oto-renal syndrome; Branchiootorenal syndrome. Identifiers: Orphanet 107, MedGen C0265234, MONDO:0007029.

Submission:

Department of Otolaryngology – Head & Neck Surgery, Cochlear Implant Center
Classification: Likely pathogenic for Melnick-Fraser syndrome. Last evaluated: 2021-04-12. Review status: criteria provided, single submitter. Criteria: ClinGen HL ACMG Specifications v1. Collection method: clinical testing. Allele origin: germline. Affected: yes.
Comment: PVS1_Strong, PM2_Moderate